The following is an entry in ClinVar:

NM_001105206.3(LAMA4):c.2195G>A (p.Gly732Glu)

Gene: LAMA4 (laminin subunit alpha 4; minus strand). Cytogenetic location: 6q21.
Variant type: single nucleotide variant.
Coding change: c.2195G>A on transcript NM_001105206.3 (MANE Select); coding-DNA position 2195, G replaced by A.
Protein change: p.Gly732Glu; replaces glycine 732 with glutamic acid.
Molecular consequence: missense variant.
Genome position (GRCh38, 1-based): chr6:112,148,315, C>T on the plus strand (G>A on the coding strand, the complement: LAMA4 is on the minus strand). VCF-style: chr6-112148315-C-T. GRCh37 (hg19) VCF-style: chr6-112469517-C-T.
Other names: c.2174G>A, p.Gly725Glu (NM_001105207.3, NM_002290.5); c.2174G>A (NM_002290.3); short protein forms G725E, G732E.
Identifiers: ClinVar variation 915661 (VCV000915661.7), dbSNP rs781889038, ClinGen allele CA3965538.

ClinVar aggregate classification (germline): Uncertain significance. Review status: criteria provided, multiple submitters, no conflicts (2 of 4 stars). 3 submissions from 3 submitters: Uncertain significance (3). Last evaluated 2025-09-11.

Conditions:
Dilated cardiomyopathy 1JJ (CMD1JJ). Identifiers: Orphanet 154, MedGen C3808935, MONDO:0014095, OMIM 615235.
Cardiovascular phenotype. Identifiers: MedGen CN230736.
Cardiomyopathy (CMYO). Also called: Cardiomyopathies. Identifiers: Orphanet 167848, MedGen C0878544, MONDO:0004994, HP:0001638. Inheritance: Various modes of inheritance.

Allele frequency attached by ClinVar (database versions not stated): gnomAD exomes below 0.00001; ExAC 0.00001; gnomAD 0.00001; TOPMed 0.00001.
gnomAD v4.1: 3 of 1,614,016 alleles (0.00019%); highest among the groups gnomAD compares: South Asian, 0.0011%; no homozygotes.

Submissions (3):

Ambry Genetics
Classification: Uncertain significance for Cardiovascular phenotype. Last evaluated: 2025-09-11. Review status: criteria provided, single submitter. Criteria: Ambry Variant Classification Scheme 2023. Collection method: clinical testing. Allele origin: germline.

Labcorp Genetics (formerly Invitae), Labcorp
Classification: Uncertain significance for Dilated cardiomyopathy 1JJ. Last evaluated: 2025-07-13. Review status: criteria provided, single submitter. Criteria: Invitae Variant Classification Sherloc (09022015). Collection method: clinical testing. Allele origin: germline.
Comment: This sequence change replaces glycine, which is neutral and non-polar, with glutamic acid, which is acidic and polar, at codon 725 of the LAMA4 protein (p.Gly725Glu). This variant is present in population databases (rs781889038, gnomAD 0.003%). This variant has not been reported in the literature in individuals affected with LAMA4-related conditions. ClinVar contains an entry for this variant (Variation ID: 915661). Invitae Evidence Modeling of protein sequence and biophysical properties (such as structural, functional, and spatial information, amino acid conservation, physicochemical variation, residue mobility, and thermodynamic stability) indicates that this missense variant is not expected to disrupt LAMA4 protein function with a negative predictive value of 80%. In summary, the available evidence is currently insufficient to determine the role of this variant in disease. Therefore, it has been classified as a Variant of Uncertain Significance.

CHEO Genetics Diagnostic Laboratory, Children's Hospital of Eastern Ontario
Classification: Uncertain significance for Cardiomyopathy. Last evaluated: 2019-01-07. Review status: criteria provided, single submitter. Criteria: ACMG Guidelines, 2015. Collection method: clinical testing. Allele origin: germline.